The following is an entry in ClinVar:

NM_001195263.2(PDZD7):c.2850del (p.Ser953fs)

Gene: PDZD7 (PDZ domain containing 7; minus strand). Cytogenetic location: 10q24.31.
Variant type: Deletion.
Coding change: c.2850del on transcript NM_001195263.2 (MANE Select); coding-DNA position 2850, one base deleted (C; older notation c.2850delC).
Protein change: p.Ser953fs; shifts the reading frame from serine 953.
Molecular consequence: frameshift variant.
Genome position (GRCh38, 1-based): chr10:101,008,719, G deleted on the plus strand (C on the coding strand, the reverse complement: PDZD7 is on the minus strand); the first of 4 consecutive G bases (chr10:101,008,719-101,008,722); deleting any one gives the same sequence. VCF-style (leftmost placement, unchanged base first): chr10-101008718-CG-C. GRCh37 (hg19) VCF-style: chr10-102768475-CG-C.
Other names: c.2850delC (NM_001195263.2); short protein forms S953fs.
Identifiers: ClinVar variation 955403 (VCV000955403.16), dbSNP rs1025144704, ClinGen allele CA212977323.
Genomic context (GRCh38, chr10:101,008,718, plus strand): 5'-CAGGAAGGCCCCCATCAGTAAGGGCTGATGAGTCAGAGGGTGAGGGCCGTGGGCTGGGCC[CG>C]GGGACCCTGACCACAAGCTCCATGGGCTCCCGGGCCTTGTTTCGATAAGCCCGACGGATG-3'

ClinVar aggregate classification (germline): Conflicting classifications of pathogenicity. Review status: criteria provided, conflicting classifications (1 of 4 stars). 5 submissions from 5 submitters: Pathogenic (1); Uncertain significance (4). Last evaluated 2026-09-18.

Conditions:
PDZD7-related disorder. Also called: PDZD7-related disorders; PDZD7-related condition.
Hearing loss, autosomal recessive 57. Also called: DEAFNESS, AUTOSOMAL RECESSIVE 57. Identifiers: MedGen C4693893, MONDO:0033201, OMIM 618003.

Submissions (5):

GeneDx
Classification: Pathogenic. Last evaluated: 2026-09-18. Review status: criteria provided, single submitter. Criteria: GeneDx Variant Classification Process June 2021. Collection method: clinical testing. Allele origin: germline.
Comment: Frameshift variant predicted to result in abnormal protein length as the last 81 amino acid(s) are replaced with 91 different amino acid(s); This variant is associated with the following publications: (PMID: 30622556)

PreventionGenetics, part of Exact Sciences
Classification: Uncertain significance for PDZD7-related condition. Last evaluated: 2026-06-18. Review status: criteria provided, single submitter. Criteria: ACMG Guidelines, 2015. Collection method: clinical testing. Allele origin: germline.
Comment: The PDZD7 c.2850delC variant is predicted to result in a frameshift and premature protein termination (p.Ser953Alafs*92). This variant was reported along with a second potentially causative missense variant in an individual with hearing loss (Morgan et al. 2018. PubMed ID: 30622556). At PreventionGenetics this variant was observed in the homozygous state and along with a likely pathogenic variant in two unrelated individuals with hearing loss (internal data). This variant is reported in 0.051% of alleles in individuals of Latino descent in gnomAD. Although frameshift variants in PDZD7 are expected to be pathogenic, this variant occurs within the last exon of the gene and no downstream loss-of-function variant has been reported as pathogenic. Although we suspect that this variant may be pathogenic, at this time, the clinical significance of this variant is uncertain due to the absence of conclusive functional and genetic evidence.

Labcorp Genetics (formerly Invitae), Labcorp
Classification: Uncertain significance. Last evaluated: 2025-06-29. Review status: criteria provided, single submitter. Criteria: Invitae Variant Classification Sherloc (09022015). Collection method: clinical testing. Allele origin: germline.
Comment: This sequence change is expected to alter the c-terminus of the PDZD7 protein (p.Ser953Alafs*92). While this is not anticipated to result in nonsense mediated decay, it is expected to disrupt the last 81 amino acid(s) of the PDZD7 protein and extend the protein by 10 additional amino acid residues. This variant is present in population databases (no rsID available, gnomAD 0.04%). This frameshift has been observed in individual(s) with hearing loss (PMID: 30622556). ClinVar contains an entry for this variant (Variation ID: 955403). Experimental studies and prediction algorithms are not available or were not evaluated, and the functional significance of this variant is currently unknown. In summary, the available evidence is currently insufficient to determine the role of this variant in disease. Therefore, it has been classified as a Variant of Uncertain Significance.

Blueprint Genetics
Classification: Uncertain significance. Last evaluated: 2022-05-07. Review status: criteria provided, single submitter. Criteria: ACMG Guidelines, 2015. Collection method: clinical testing. Allele origin: germline.

UNC Molecular Genetics  Laboratory, University of North Carolina at Chapel Hill
Classification: Uncertain significance for DEAFNESS, AUTOSOMAL RECESSIVE 57. Review status: criteria provided, single submitter. Criteria: ACMG Guidelines, 2015. Collection method: research. Allele origin: germline. Observed: 1 variant allele. Study: CSER_NCGENES_2.
Comment: The PDZD7 c.2850delC [p.S953fs] variant is a frameshift variant located in the last exon of PDZD7 with uncertain effect on protein function; it has not previously been reported and is therefore considered a variant of uncertain significance.

Literature cited by the submitters: PubMed 30622556 (cited by Labcorp Genetics (formerly Invitae), Labcorp).